The following is an entry in ClinVar:

ClinVar aggregate classification (germline): Uncertain significance (1 of 4 stars; one submission).

Conditions:
Immunodeficiency 104. Also called: IMMUNODEFICIENCY 104, SEVERE COMBINED; Severe combined immunodeficiency, autosomal recessive, T cell-negative, B cell-positive, NK cell-positive; SCID, AUTOSOMAL RECESSIVE, T CELL-NEGATIVE, B CELL-POSITIVE, NK CELL-POSITIVE; Severe Combined Immune Deficiency, Autosomal Recessive, TCell -Negative, B Cell-Positive, NK Cell-Positive, IL7R-Related. Identifiers: MedGen C5676890, MONDO:0012163, OMIM 608971.

Submission:

Labcorp Genetics (formerly Invitae), Labcorp
Classification: Uncertain significance for Immunodeficiency 104. Last evaluated: 2020-07-20. Review status: criteria provided, single submitter. Criteria: Invitae Variant Classification Sherloc (09022015). Collection method: clinical testing. Allele origin: germline.
Comment: This variant is not present in population databases (ExAC no frequency). This sequence change replaces isoleucine with threonine at codon 793 of the PTPRC protein (p.Ile793Thr). The isoleucine residue is highly conserved and there is a moderate physicochemical difference between isoleucine and threonine. This variant has not been reported in the literature in individuals with PTPRC-related conditions. In summary, the available evidence is currently insufficient to determine the role of this variant in disease. Therefore, it has been classified as a Variant of Uncertain Significance. Algorithms developed to predict the effect of missense changes on protein structure and function (SIFT, PolyPhen-2, Align-GVGD) all suggest that this variant is likely to be disruptive, but these predictions have not been confirmed by published functional studies and their clinical significance is uncertain.

NM_002838.5(PTPRC):c.2378T>C (p.Ile793Thr)

Gene: PTPRC (protein tyrosine phosphatase receptor type C; plus strand). Cytogenetic location: 1q32.1.
Variant type: single nucleotide variant.
Coding change: c.2378T>C on transcript NM_002838.5 (MANE Select); coding-DNA position 2378, T replaced by C.
Protein change: p.Ile793Thr; replaces isoleucine 793 with threonine.
Molecular consequence: missense variant.
Genome position (GRCh38, 1-based): chr1:198,735,227, T>C. VCF-style: chr1-198735227-T-C. GRCh37 (hg19) VCF-style: chr1-198704356-T-C.
Other names: c.1895T>C, p.Ile632Thr (NM_080921.4); short protein forms I632T, I793T.
Identifiers: ClinVar variation 1046973 (VCV001046973.9), dbSNP rs1654577048, ClinGen allele CA344049064.
Genomic context (GRCh38, chr1:198,735,227, plus strand): 5'-CTCGGGCTTTTGGAGATGTTGTTGTAAAGATCAACCAGCACAAAAGATGTCCAGATTACA[T>C]CATTCAGAAATTGAACATTGTAAATGTGAGTTTGCTTTTTACATAATTTTTGTTTTGATA-3'
Protein context (NP_002829.3, residues 783-803): INQHKRCPDY[Ile793Thr]IQKLNIVNKK